The following is an entry in ClinVar:

NM_000548.5(TSC2):c.482-7C>A

Gene: TSC2 (TSC complex subunit 2; plus strand). Cytogenetic location: 16p13.3.
Variant type: single nucleotide variant.
Coding change: c.482-7C>A on transcript NM_000548.5 (MANE Select); 7 bases into the intron before coding-DNA position 482, C replaced by A.
Molecular consequence: intron variant.
Genome position (GRCh38, 1-based): chr16:2,055,395, C>A. VCF-style: chr16-2055395-C-A. GRCh37 (hg19) VCF-style: chr16-2105396-C-A.
Other names: c.482-7C>A (NM_001114382.3, NM_021055.3, NM_001370405.1 and 3 more transcripts); c.371-7C>A (NM_001318827.2); c.-1-801C>A (NM_001318831.2); c.335-7C>A (NM_001318829.2); c.515-7C>A (NM_001318832.2).
Identifiers: ClinVar variation 1038056 (VCV001038056.8), dbSNP rs2085648892, ClinGen allele CA2201999788.

ClinVar aggregate classification (germline): Uncertain significance (1 of 4 stars; one submission).

Conditions:
Tuberous sclerosis 2 (TSC2). Identifiers: Orphanet 805, MedGen C1860707, MONDO:0013199, OMIM 613254.

gnomAD v4.1: 4 of 1,613,184 alleles (0.00025%); highest among the groups gnomAD compares: Non-Finnish European, 0.00034%; no homozygotes.

Submission:

Labcorp Genetics (formerly Invitae), Labcorp
Classification: Uncertain significance for Tuberous sclerosis 2. Last evaluated: 2024-02-29. Review status: criteria provided, single submitter. Criteria: Invitae Variant Classification Sherloc (09022015). Collection method: clinical testing. Allele origin: germline.
Comment: This sequence change falls in intron 5 of the TSC2 gene. It does not directly change the encoded amino acid sequence of the TSC2 protein. This variant is not present in population databases (gnomAD no frequency). This variant has not been reported in the literature in individuals affected with TSC2-related conditions. ClinVar contains an entry for this variant (Variation ID: 1038056). Algorithms developed to predict the effect of sequence changes on RNA splicing suggest that this variant may disrupt the consensus splice site. In summary, the available evidence is currently insufficient to determine the role of this variant in disease. Therefore, it has been classified as a Variant of Uncertain Significance.